The following is an entry in ClinVar:

NM_207352.4(CYP4V2):c.*364T>G

Genes: CYP4V2 (cytochrome P450 family 4 subfamily V member 2; plus strand), KLKB1 (kallikrein B1; plus strand). Cytogenetic location: 4q35.2.
Variant type: single nucleotide variant.
Coding change: c.*364T>G on transcript NM_207352.4 (MANE Select); 364 bases downstream of the stop codon, T replaced by G.
Molecular consequence: 3 prime UTR variant.
Genome position (GRCh38, 1-based): chr4:186,211,005, T>G. VCF-style: chr4-186211005-T-G. GRCh37 (hg19) VCF-style: chr4-187132159-T-G.
Identifiers: ClinVar variation 348319 (VCV000348319.6), dbSNP rs7697077, ClinGen allele CA10620660.

ClinVar aggregate classification (germline): Benign. Review status: criteria provided, multiple submitters, no conflicts (2 of 4 stars). 3 submissions from 2 submitters: Benign (3). Last evaluated 2018-01-13.

Conditions:
Corneal dystrophy. Identifiers: Orphanet 34533, MedGen C0010036, MONDO:0018102, HP:0001131.
Bietti crystalline corneoretinal dystrophy (BCD). Also called: Bietti Crystalline Dystrophy; BIETTI TAPETORETINAL DEGENERATION WITH MARGINAL CORNEAL DYSTROPHY. Identifiers: Orphanet 41751, MedGen C1859486, MONDO:0008865, OMIM 210370.

Allele frequency attached by ClinVar (database versions not stated): TOPMed 0.81011; 1000 Genomes Project 30x 0.82167; 1000 Genomes Project 0.82728.
gnomAD v4.1: 188,635 of 223,576 alleles (84%); highest among the groups gnomAD compares: East Asian, 93%; 80,637 homozygotes.

Submissions (3):

Illumina Laboratory Services, Illumina
Classification: Benign for Corneal dystrophy. Last evaluated: 2018-01-13. Review status: criteria provided, single submitter. Criteria: ICSL Variant Classification Criteria 13 December 2019. Collection method: clinical testing. Allele origin: germline.
Comment: This variant was observed in the ICSL laboratory as part of a predisposition screen in an ostensibly healthy population. It had not been previously curated by ICSL or reported in the Human Gene Mutation Database (HGMD: prior to June 1st, 2018), and was therefore a candidate for classification through an automated scoring system. Utilizing variant allele frequency, disease prevalence and penetrance estimates, and inheritance mode, an automated score was calculated to assess if this variant is too frequent to cause the disease. Based on the score and internal cut-off values, a variant classified as benign is not then subjected to further curation. The score for this variant resulted in a classification of benign for this disease.

Illumina Laboratory Services, Illumina
Classification: Benign for Bietti crystalline corneoretinal dystrophy. Last evaluated: 2018-01-13. Review status: criteria provided, single submitter. Criteria: ICSL Variant Classification Criteria 13 December 2019. Collection method: clinical testing. Allele origin: germline.
Comment: the same text as in the submission from Illumina Laboratory Services, Illumina above.

Breakthrough Genomics
Classification: Benign. Review status: criteria provided, single submitter. Criteria: ACMG Guidelines, 2015. Collection method: not provided. Allele origin: germline. Inheritance: Autosomal recessive inheritance. Affected: yes.